The following is an entry in ClinVar:

ClinVar aggregate classification (germline): Uncertain significance (1 of 4 stars; one submission).

Allele frequency attached by ClinVar (database versions not stated): gnomAD exomes below 0.00001; gnomAD 0.00001; TOPMed 0.00001.
gnomAD v4.1: 6 of 1,536,238 alleles (0.00039%); highest among the groups gnomAD compares: Admixed American, 0.012%; no homozygotes.

Submission:

Labcorp Genetics (formerly Invitae), Labcorp
Classification: Uncertain significance. Last evaluated: 2022-08-21. Review status: criteria provided, single submitter. Criteria: Invitae Variant Classification Sherloc (09022015). Collection method: clinical testing. Allele origin: germline.
Comment: In summary, the available evidence is currently insufficient to determine the role of this variant in disease. Therefore, it has been classified as a Variant of Uncertain Significance. Algorithms developed to predict the effect of missense changes on protein structure and function output the following: SIFT: "Tolerated"; PolyPhen-2: "Not Available"; Align-GVGD: "Class C0". The threonine amino acid residue is found in multiple mammalian species, which suggests that this missense change does not adversely affect protein function. This variant has not been reported in the literature in individuals affected with PDZD7-related conditions. This variant is not present in population databases (gnomAD no frequency). This sequence change replaces alanine, which is neutral and non-polar, with threonine, which is neutral and polar, at codon 321 of the PDZD7 protein (p.Ala321Thr).

NM_001195263.2(PDZD7):c.961G>A (p.Ala321Thr)

Gene: PDZD7 (PDZ domain containing 7; minus strand). Cytogenetic location: 10q24.31.
Variant type: single nucleotide variant.
Coding change: c.961G>A on transcript NM_001195263.2 (MANE Select); coding-DNA position 961, G replaced by A.
Protein change: p.Ala321Thr; replaces alanine 321 with threonine.
Molecular consequence: missense variant.
Genome position (GRCh38, 1-based): chr10:101,019,185, C>T on the plus strand (G>A on the coding strand, the complement: PDZD7 is on the minus strand). VCF-style: chr10-101019185-C-T. GRCh37 (hg19) VCF-style: chr10-102778942-C-T.
Other names: c.961G>A, p.Ala321Thr (NM_001351044.2, NM_024895.5); short protein forms A321T.
Identifiers: ClinVar variation 1922327 (VCV001922327.5), dbSNP rs1388637161, ClinGen allele CA378229029.